The following is an entry in ClinVar:

ClinVar aggregate classification (germline): Benign. Review status: criteria provided, multiple submitters, no conflicts (2 of 4 stars). 2 submissions from 2 submitters: Benign (2). Last evaluated 2018-08-17.

Conditions:
Amyotrophic lateral sclerosis type 21. Also called: VOCAL CORD AND PHARYNGEAL DYSFUNCTION WITH DISTAL MYOPATHY; MYOPATHY, DISTAL, 2. Identifiers: Orphanet 600, Orphanet 803, MedGen C3807521, MONDO:0011632, OMIM 606070.

Allele frequency attached by ClinVar (database versions not stated): 1000 Genomes Project 0.02236; 1000 Genomes Project 30x 0.02249; TOPMed 0.03548; gnomAD 0.03797 and 0.03913; gnomAD exomes 0.04024 and 0.04418; ExAC 0.04277.
gnomAD v4.1: 26,765 of 625,234 alleles (4.3%); highest among the groups gnomAD compares: Non-Finnish European, 5.3%; 703 homozygotes.

Submissions (2):

GeneDx
Classification: Benign. Last evaluated: 2018-08-17. Review status: criteria provided, single submitter. Criteria: GeneDx Variant Classification Process June 2021. Collection method: clinical testing. Allele origin: germline. Affected: yes.

Illumina Laboratory Services, Illumina
Classification: Benign for Amyotrophic lateral sclerosis type 21. Last evaluated: 2018-01-12. Review status: criteria provided, single submitter. Criteria: ICSL Variant Classification Criteria 13 December 2019. Collection method: clinical testing. Allele origin: germline.
Comment: This variant was observed in the ICSL laboratory as part of a predisposition screen in an ostensibly healthy population. It had not been previously curated by ICSL or reported in the Human Gene Mutation Database (HGMD: prior to June 1st, 2018), and was therefore a candidate for classification through an automated scoring system. Utilizing variant allele frequency, disease prevalence and penetrance estimates, and inheritance mode, an automated score was calculated to assess if this variant is too frequent to cause the disease. Based on the score and internal cut-off values, a variant classified as benign is not then subjected to further curation. The score for this variant resulted in a classification of benign for this disease.

NM_018834.6(MATR3):c.*177A>G

Gene: MATR3 (matrin 3; plus strand). Cytogenetic location: 5q31.2.
Variant type: single nucleotide variant.
Coding change: c.*177A>G on transcript NM_018834.6 (MANE Select); 177 bases downstream of the stop codon, A replaced by G.
Molecular consequence: 3 prime UTR variant.
Genome position (GRCh38, 1-based): chr5:139,329,572, A>G. VCF-style: chr5-139329572-A-G. GRCh37 (hg19) VCF-style: chr5-138665261-A-G.
Other names: c.*177A>G (NM_001194954.2, NM_001194955.2, NM_001194956.2 and 2 more transcripts).
Identifiers: ClinVar variation 351149 (VCV000351149.7), dbSNP rs13698, ClinGen allele CA3433538.
Genomic context (GRCh38, chr5:139,329,572, plus strand): 5'-AGTGGAGAAATAATAGATGTCTGTTCATGTGTTAAGTGTTATAGCAAAAAAAATACACAT[A>G]TGGTTAAGTTAATGAATAGTTTTTGTTTTATCAGAATGGCAACAGACAGAAGTACTTTGT-3'